The following is an entry in ClinVar:

NC_012920.1(MT-ND4):m.12092C>A

Gene: MT-ND4 (mitochondrially encoded NADH dehydrogenase 4; plus strand).
Variant type: single nucleotide variant.
Genome position: chrM-12092-C-A.
Identifiers: ClinVar variation 693411 (VCV000693411.1), dbSNP rs1603223542, ClinGen allele CA414812460.

ClinVar aggregate classification (germline): Benign (1 of 4 stars; one submission).

Conditions:
Leigh syndrome (NULS). Also called: Leigh's necrotizing encephalopathy; Leigh's disease; Leigh Syndrome (mtDNA deletion); Leigh Disease; Subacute necrotizing encephalopathy; Necrotizing encephalopathy infantile subacute of Leigh. Identifiers: Orphanet 506, MedGen C2931891, MONDO:0009723, OMIM 256000.

Submission:

Wong Mito Lab, Molecular and Human Genetics, Baylor College of Medicine
Classification: Benign for Leigh syndrome. Last evaluated: 2019-10-17. Review status: criteria provided, single submitter. Criteria: Modified ACMG Guidelines (Unpublished). Collection method: clinical testing. Allele origin: germline.
Comment: The NC_012920.1:m.12092C>A (YP_003024035.1:p.Leu445Ile) variant in MTND4 gene is interpretated to be a Benign variant based on the modified ACMG guidelines (unpublished). This variant meets the following evidence codes: BS1, BS2, BP4